The following is an entry in ClinVar:

ClinVar aggregate classification (germline): Likely pathogenic (1 of 4 stars; one submission).

Conditions:
Upshaw-Schulman syndrome (TTP). Also called: Congenital thrombotic thrombocytopenic purpura; THROMBOTIC THROMBOCYTOPENIC PURPURA, HEREDITARY. Identifiers: Orphanet 93583, MedGen C1268935, MONDO:0010122, OMIM 274150.

Allele frequency attached by ClinVar (database versions not stated): gnomAD exomes 0.00001.
gnomAD v4.1: 7 of 1,613,508 alleles (0.00043%); highest among the groups gnomAD compares: Non-Finnish European, 0.00059%; no homozygotes.

Submission:

Laboratory for Molecular Medicine, Mass General Brigham Personalized Medicine
Classification: Likely pathogenic for Upshaw-Schulman syndrome. Last evaluated: 2018-02-20. Review status: criteria provided, single submitter. Criteria: LMM Criteria. Collection method: clinical testing. Allele origin: germline. Inheritance: Autosomal recessive inheritance. Observed: 1 variant allele.
Comment: The c.415-1G>A variant in ADAMTS13 has not been previously reported in individua ls with Familial thrombotic thrombocytopenic purpura and was absent from large p opulation studies. This variant occurs in the invariant region (+/- 1,2) of the splice consensus sequence and is predicted to cause altered splicing leading to an abnormal or absent protein. Complete loss of activity of ADAMTS13 is associat ed with thrombotic thrombocytopenic purpura. In summary, although additional stu dies are required to fully establish its clinical significance, the c.415-1G>A v ariant is likely pathogenic for Familial thrombotic thrombocytopenic purpura in an autosomal recessive manner. ACMG/AMP Criteria applied: PVS1_Strong; PM2.

NM_139027.6(ADAMTS13):c.415-1G>A

Gene: ADAMTS13 (ADAM metallopeptidase with thrombospondin type 1 motif 13; plus strand). Cytogenetic location: 9q34.2.
Variant type: single nucleotide variant.
Coding change: c.415-1G>A on transcript NM_139027.6 (MANE Select); the canonical splice acceptor site of the intron before coding-DNA position 415, G replaced by A.
Molecular consequence: splice acceptor variant.
Genome position (GRCh38, 1-based): chr9:133,425,937, G>A. VCF-style: chr9-133425937-G-A. GRCh37 (hg19) VCF-style: chr9-136291057-G-A.
Other names: c.415-1G>A (NM_139025.5, NM_139026.6).
Identifiers: ClinVar variation 667364 (VCV000667364.4), dbSNP rs1554785114, ClinGen allele CA375382440.